The following is an entry in ClinVar:

ClinVar aggregate classification (germline): Uncertain significance (1 of 4 stars; one submission).

gnomAD v4.1: 3 of 1,612,772 alleles (0.00019%); highest among the groups gnomAD compares: Non-Finnish European, 0.00017%; no homozygotes.

Submission:

Ambry Genetics
Classification: Uncertain significance. Last evaluated: 2025-03-24. Review status: criteria provided, single submitter. Criteria: Ambry Variant Classification Scheme 2023. Collection method: clinical testing. Allele origin: germline.
Comment: The p.V56G variant (also known as c.167T>G), located in coding exon 2 of the RAD51B gene, results from a T to G substitution at nucleotide position 167. The valine at codon 56 is replaced by glycine, an amino acid with dissimilar properties. This amino acid position is conserved. In addition, this alteration is predicted to be deleterious by in silico analysis. Based on the available evidence, the clinical significance of this variant remains unclear.

NM_133510.4(RAD51B):c.167T>G (p.Val56Gly)

Gene: RAD51B (RAD51 paralog B; plus strand). Cytogenetic location: 14q24.1.
Variant type: single nucleotide variant.
Coding change: c.167T>G on transcript NM_133510.4 (MANE Select); coding-DNA position 167, T replaced by G.
Protein change: p.Val56Gly; replaces valine 56 with glycine.
Molecular consequence: missense variant. On other transcripts: 5 prime UTR variant (1).
Genome position (GRCh38, 1-based): chr14:67,825,546, T>G. VCF-style: chr14-67825546-T-G. GRCh37 (hg19) VCF-style: chr14-68292263-T-G.
Other names: c.167T>G, p.Val56Gly (NM_001321809.2, NM_001321810.2, NM_001321812.1 and 6 more transcripts); c.53T>G, p.Val18Gly (NM_001321815.1); c.-289T>G (NM_001321817.2); short protein forms V56G, V18G.
Identifiers: ClinVar variation 3942273 (VCV003942273.1).